The following is an entry in ClinVar:

NM_014946.4(SPAST):c.97C>T (p.Pro33Ser)

Gene: SPAST (spastin; plus strand). Cytogenetic location: 2p22.3.
Variant type: single nucleotide variant.
Coding change: c.97C>T on transcript NM_014946.4 (MANE Select); coding-DNA position 97, C replaced by T.
Protein change: p.Pro33Ser; replaces proline 33 with serine.
Molecular consequence: missense variant.
Genome position (GRCh38, 1-based): chr2:32,063,928, C>T. VCF-style: chr2-32063928-C-T. GRCh37 (hg19) VCF-style: chr2-32288997-C-T.
Other names: c.97C>T, p.Pro33Ser (NM_001363823.2, NM_001363875.2, NM_001377959.1 and 1 more transcripts); short protein forms P33S.
Identifiers: ClinVar variation 2421301 (VCV002421301.6), dbSNP rs1403480959, ClinGen allele CA346601354.

ClinVar aggregate classification (germline): Uncertain significance (1 of 4 stars; one submission).

Conditions:
Hereditary spastic paraplegia 4. Also called: Spastic Paraplegia 4; Spastic paraplegia 4, autosomal dominant; Familial spastic paraplegia autosomal dominant 2. Identifiers: Orphanet 100985, MedGen C1866855, MONDO:0008438, OMIM 182601.

gnomAD v4.1: 3 of 1,597,930 alleles (0.00019%); highest among the groups gnomAD compares: African/African-American, 0.0013%; no homozygotes.

Submission:

Labcorp Genetics (formerly Invitae), Labcorp
Classification: Uncertain significance for Hereditary spastic paraplegia 4. Last evaluated: 2022-04-06. Review status: criteria provided, single submitter. Criteria: Invitae Variant Classification Sherloc (09022015). Collection method: clinical testing. Allele origin: germline.
Comment: This sequence change replaces proline, which is neutral and non-polar, with serine, which is neutral and polar, at codon 33 of the SPAST protein (p.Pro33Ser). This variant is not present in population databases (gnomAD no frequency). This variant has not been reported in the literature in individuals affected with SPAST-related conditions. Advanced modeling of protein sequence and biophysical properties (such as structural, functional, and spatial information, amino acid conservation, physicochemical variation, residue mobility, and thermodynamic stability) performed at Invitae indicates that this missense variant is not expected to disrupt SPAST protein function. In summary, the available evidence is currently insufficient to determine the role of this variant in disease. Therefore, it has been classified as a Variant of Uncertain Significance.